The following is an entry in ClinVar:

ClinVar aggregate classification (germline): Uncertain significance (1 of 4 stars; one submission).

Conditions:
RARB-related disorder. Also called: RARB-related condition.

Submission:

PreventionGenetics, part of Exact Sciences
Classification: Uncertain significance for RARB-related condition. Last evaluated: 2025-12-11. Review status: criteria provided, single submitter. Criteria: ACMG Guidelines, 2015. Collection method: clinical testing. Allele origin: germline.
Comment: The RARB c.301T>C variant is predicted to result in the amino acid substitution p.Cys101Arg. To our knowledge, this variant has not been reported in the literature or in a large population database (gnomAD), indicating this variant is rare. Although we suspect that this variant may be pathogenic, at this time, the clinical significance of this variant is uncertain due to the absence of conclusive functional and genetic evidence.

NM_000965.5(RARB):c.301T>C (p.Cys101Arg)

Gene: RARB (retinoic acid receptor beta; plus strand). Cytogenetic location: 3p24.2.
Variant type: single nucleotide variant.
Coding change: c.301T>C on transcript NM_000965.5 (MANE Select); coding-DNA position 301, T replaced by C.
Protein change: p.Cys101Arg; replaces cysteine 101 with arginine.
Molecular consequence: missense variant. On other transcripts: 5 prime UTR variant (3), non-coding transcript variant (2).
Genome position (GRCh38, 1-based): chr3:25,461,336, T>C. VCF-style: chr3-25461336-T-C. GRCh37 (hg19) VCF-style: chr3-25502827-T-C.
Other names: c.322T>C, p.Cys108Arg (NM_001290216.3); c.-36T>C (NM_001290217.2, NM_001290276.2, NM_016152.4); c.154T>C, p.Cys52Arg (NM_001290266.2); c.301T>C, p.Cys101Arg (NM_001290277.1); c.172T>C, p.Cys58Arg (NM_001290300.2); short protein forms C108R, C101R, C52R, C58R.
Identifiers: ClinVar variation 4994094 (VCV004994094.1).